The following is an entry in ClinVar:

ClinVar aggregate classification (germline): Likely pathogenic (1 of 4 stars; one submission).

Conditions:
Skeletal muscle channelopathy.

Submission:

Genetics Laboratory, Great Ormond Street Hospital NHS Foundation Trust, North Thames Genomic Laboratory Hub
Classification: Likely pathogenic for Skeletal muscle channelopathy. Last evaluated: 2025-12-06. Review status: criteria provided, single submitter. Criteria: ACGS Best Practice Guidelines for Variant Classification in Rare Disease 2024 v1.2. Collection method: clinical testing. Allele origin: germline. Affected: yes.
Comment: PM2_moderate, PP3_supporting, PS3_moderate, PM1_moderate

NM_000083.3(CLCN1):c.995T>G (p.Leu332Arg)

Gene: CLCN1 (chloride voltage-gated channel 1; plus strand). Cytogenetic location: 7q34.
Variant type: single nucleotide variant.
Coding change: c.995T>G on transcript NM_000083.3 (MANE Select); coding-DNA position 995, T replaced by G.
Protein change: p.Leu332Arg; replaces leucine 332 with arginine.
Molecular consequence: missense variant. On other transcripts: non-coding transcript variant (1).
Genome position (GRCh38, 1-based): chr7:143,331,247, T>G. VCF-style: chr7-143331247-T-G. GRCh37 (hg19) VCF-style: chr7-143028340-T-G.
Other names: short protein forms L332R.
Identifiers: ClinVar variation 4690215 (VCV004690215.1).